The following is an entry in ClinVar:

NM_004364.5(CEBPA):c.370G>A (p.Ala124Thr)

Gene: CEBPA (CCAAT enhancer binding protein alpha; minus strand). Cytogenetic location: 19q13.11.
Variant type: single nucleotide variant.
Coding change: c.370G>A on transcript NM_004364.5 (MANE Select); coding-DNA position 370, G replaced by A.
Protein change: p.Ala124Thr; replaces alanine 124 with threonine.
Molecular consequence: missense variant.
Genome position (GRCh38, 1-based): chr19:33,302,045, C>T on the plus strand (G>A on the coding strand, the complement: CEBPA is on the minus strand). VCF-style: chr19-33302045-C-T. GRCh37 (hg19) VCF-style: chr19-33792951-C-T.
Other names: c.13G>A, p.Ala5Thr (NM_001285829.2); c.475G>A, p.Ala159Thr (NM_001287424.2); c.328G>A, p.Ala110Thr (NM_001287435.2); short protein forms A110T, A124T, A159T, A5T.
Identifiers: ClinVar variation 4868678 (VCV004868678.1).

ClinVar aggregate classification (germline): Uncertain significance (1 of 4 stars; one submission).

Conditions:
Inborn genetic diseases. Identifiers: MedGen C0950123, MeSH D030342.

Submission:

Ambry Genetics
Classification: Uncertain significance for Inborn genetic diseases. Last evaluated: 2026-04-28. Review status: criteria provided, single submitter. Criteria: Ambry Variant Classification Scheme 2023. Collection method: clinical testing. Allele origin: germline.
Comment: The p.A124T variant (also known as c.370G>A), located in coding exon 1 of the CEBPA gene, results from a G to A substitution at nucleotide position 370. The alanine at codon 124 is replaced by threonine, an amino acid with similar properties. This amino acid position is conserved. In addition, this alteration is predicted to be tolerated by in silico analysis. Based on the available evidence, the clinical significance of this variant remains unclear.